The following is an entry in ClinVar:

ClinVar aggregate classification (germline): Uncertain significance. Review status: criteria provided, multiple submitters, no conflicts (2 of 4 stars). 2 submissions from 2 submitters: Uncertain significance (2). Last evaluated 2023-07-24.

Allele frequency attached by ClinVar (database versions not stated): gnomAD 0.00001; gnomAD exomes 0.00001 and 0.00002; ExAC 0.00002.
gnomAD v4.1: 20 of 1,599,040 alleles (0.0013%); highest among the groups gnomAD compares: Admixed American, 0.0052%; no homozygotes.

Submissions (2):

Blueprint Genetics
Classification: Uncertain significance. Last evaluated: 2023-07-24. Review status: criteria provided, single submitter. Criteria: ACMG Guidelines, 2015. Collection method: clinical testing. Allele origin: germline.

Labcorp Genetics (formerly Invitae), Labcorp
Classification: Uncertain significance. Last evaluated: 2022-09-01. Review status: criteria provided, single submitter. Criteria: Invitae Variant Classification Sherloc (09022015). Collection method: clinical testing. Allele origin: germline.
Comment: This sequence change replaces serine, which is neutral and polar, with proline, which is neutral and non-polar, at codon 569 of the KIAA1549 protein (p.Ser569Pro). This variant is present in population databases (rs751701887, gnomAD 0.007%). This variant has not been reported in the literature in individuals affected with KIAA1549-related conditions. ClinVar contains an entry for this variant (Variation ID: 935507). Algorithms developed to predict the effect of missense changes on protein structure and function are either unavailable or do not agree on the potential impact of this missense change (SIFT: "Deleterious"; PolyPhen-2: "Benign"; Align-GVGD: "Class C0"). In summary, the available evidence is currently insufficient to determine the role of this variant in disease. Therefore, it has been classified as a Variant of Uncertain Significance.

NM_001164665.2(KIAA1549):c.1705T>C (p.Ser569Pro)

Gene: KIAA1549 (KIAA1549; minus strand). Cytogenetic location: 7q34.
Variant type: single nucleotide variant.
Coding change: c.1705T>C on transcript NM_001164665.2 (MANE Select); coding-DNA position 1705, T replaced by C.
Protein change: p.Ser569Pro; replaces serine 569 with proline.
Molecular consequence: missense variant.
Genome position (GRCh38, 1-based): chr7:138,917,921, A>G on the plus strand (T>C on the coding strand, the complement: KIAA1549 is on the minus strand). VCF-style: chr7-138917921-A-G. GRCh37 (hg19) VCF-style: chr7-138602667-A-G.
Other names: c.1705T>C, p.Ser569Pro (NM_020910.3); short protein forms S569P.
Identifiers: ClinVar variation 935507 (VCV000935507.6), dbSNP rs751701887, ClinGen allele CA4506651.
Genomic context (GRCh38, chr7:138,917,921, plus strand): 5'-AAACACTCGGGTCTCTGACGGCAAGCGACGGTGTGTTTTTGTTTGCTATGACAGAGAAAG[A>G]TGAGTCAAGGAGAATGCTGGTGATGACCGAGAAAAATGCAGTGGTCACGCTGGATGGCGT-3'
Protein context (NP_001158137.1, residues 559-579): SVITSILLDS[Ser569Pro]FSVIANKNTP